The following is an entry in ClinVar:

NM_001615.4(ACTG2):c.*8A>G

Gene: ACTG2 (actin gamma 2, smooth muscle; plus strand). Cytogenetic location: 2p13.1.
Variant type: single nucleotide variant.
Coding change: c.*8A>G on transcript NM_001615.4 (MANE Select); 8 bases downstream of the stop codon, A replaced by G.
Molecular consequence: 3 prime UTR variant.
Genome position (GRCh38, 1-based): chr2:73,919,583, A>G. VCF-style: chr2-73919583-A-G. GRCh37 (hg19) VCF-style: chr2-74146710-A-G.
Other names: c.*8A>G (NM_001199893.2).
Identifiers: ClinVar variation 3038553 (VCV003038553.3), dbSNP rs111474892, ClinGen allele CA1718081.
Genomic context (GRCh38, chr2:73,919,583, plus strand): 5'-AGCCTGAGTATGATGAGGCAGGGCCCTCCATTGTCCACAGGAAGTGCTTCTAAAGTCAGA[A>G]CAGGTTCTCCAAGGATCCCCTCGAGACTACTCTGTTACCAGTCATGAAACATTAAAACCT-3'

ClinVar aggregate classification (germline): Likely benign. Review status: criteria provided, single submitter (1 of 4 stars). 2 submissions from 2 submitters: Likely benign (1). 1 of the submissions does not count toward it. Last evaluated 2024-11-25.

Conditions:
ACTG2-related disorder. Also called: ACTG2-related condition.

Allele frequency attached by ClinVar (database versions not stated): gnomAD exomes 0.00170; ExAC 0.00563; 1000 Genomes Project 0.01757; gnomAD 0.01888; 1000 Genomes Project 30x 0.01952; TOPMed 0.02078; ESP Exome Variant Server 0.02253.
gnomAD v4.1: 5,454 of 1,613,486 alleles (0.34%); highest among the groups gnomAD compares: African/African-American, 6.5%; 181 homozygotes.

Submissions (2):

Blueprint Genetics
Classification: Likely benign. Last evaluated: 2024-11-25. Review status: criteria provided, single submitter. Criteria: ACMG Guidelines, 2015. Collection method: clinical testing. Allele origin: germline.

PreventionGenetics, part of Exact Sciences
Classification: Benign for ACTG2-related condition. Last evaluated: 2019-12-23. Review status: no assertion criteria provided. Collection method: clinical testing. Allele origin: germline. Not counted in ClinVar's aggregate classification.
Comment: This variant is classified as benign based on ACMG/AMP sequence variant interpretation guidelines (Richards et al. 2015 PMID: 25741868, with internal and published modifications).